The following is an entry in ClinVar:

NM_138775.3(ALKBH8):c.1960C>T (p.Gln654Ter)

Gene: ALKBH8 (alkB homolog 8, tRNA methyltransferase; minus strand). Cytogenetic location: 11q22.3.
Variant type: single nucleotide variant.
Coding change: c.1960C>T on transcript NM_138775.3 (MANE Select); coding-DNA position 1960, C replaced by T.
Protein change: p.Gln654Ter; replaces glutamine 654 with a stop codon.
Molecular consequence: nonsense. On other transcripts: non-coding transcript variant (6).
Genome position (GRCh38, 1-based): chr11:107,504,693, G>A on the plus strand (C>T on the coding strand, the complement: ALKBH8 is on the minus strand). VCF-style: chr11-107504693-G-A. GRCh37 (hg19) VCF-style: chr11-107375419-G-A.
Other names: c.1960C>T, p.Gln654Ter (NM_001301010.3); c.1810C>T, p.Gln604Ter (NM_001378133.1); short protein forms Q604*, Q654*.
Identifiers: ClinVar variation 1313759 (VCV001313759.2), dbSNP rs1862301632, ClinGen allele CA382494068.
Genomic context (GRCh38, chr11:107,504,693, plus strand): 5'-ATATATGATGTGTTCAGGTAAATAATCAGGCCTTTTGAAGAATCACACACCAGTTTCCTT[G>A]ATCGTAGTAGCTTTGCAGAATTCTGACATCACTCACAGTCCTGCAGGCACCTTCCAGTTC-3'

ClinVar aggregate classification (germline): Uncertain significance (1 of 4 stars; one submission).

Allele frequency attached by ClinVar (database versions not stated): gnomAD 0.00001; gnomAD exomes 0.00001.
gnomAD v4.1: 8 of 1,549,550 alleles (0.00052%); highest among the groups gnomAD compares: Non-Finnish European, 0.00035%; no homozygotes.

Submission:

GeneDx
Classification: Uncertain significance. Last evaluated: 2021-01-06. Review status: criteria provided, single submitter. Criteria: GeneDx Variant Classification Process June 2021. Collection method: clinical testing. Allele origin: germline. Affected: yes.
Comment: Not observed in large population cohorts (Lek et al., 2016); Nonsense variant predicted to result in protein truncation as the last 11 amino acids are lost, although loss-of-function variants have not been reported downstream of this position in the protein; Has not been previously published as pathogenic or benign to our knowledge; Variants in candidate genes are classified as variants of uncertain significance in accordance with ACMG guidelines (Richards et al., 2015)